The following is an entry in ClinVar:

NM_000031.6(ALAD):c.330G>T (p.Lys110Asn)

Gene: ALAD (aminolevulinate dehydratase; minus strand). Cytogenetic location: 9q32.
Variant type: single nucleotide variant.
Coding change: c.330G>T on transcript NM_000031.6 (MANE Select); coding-DNA position 330, G replaced by T.
Protein change: p.Lys110Asn; replaces lysine 110 with asparagine.
Molecular consequence: missense variant.
Genome position (GRCh38, 1-based): chr9:113,390,865, C>A on the plus strand (G>T on the coding strand, the complement: ALAD is on the minus strand). VCF-style: chr9-113390865-C-A. GRCh37 (hg19) VCF-style: chr9-116153145-C-A.
Other names: c.417G>T, p.Lys139Asn (NM_001003945.3); c.306G>T, p.Lys102Asn (NM_001317745.2); short protein forms K102N, K110N, K139N.
Identifiers: ClinVar variation 3708302 (VCV003708302.1).

ClinVar aggregate classification (germline): Uncertain significance (1 of 4 stars; one submission).

gnomAD v4.1: 77 of 1,614,128 alleles (0.0048%); highest among the groups gnomAD compares: African/African-American, 0.096%; no homozygotes.

Submission:

Labcorp Genetics (formerly Invitae), Labcorp
Classification: Uncertain significance. Last evaluated: 2024-09-03. Review status: criteria provided, single submitter. Criteria: Invitae Variant Classification Sherloc (09022015). Collection method: clinical testing. Allele origin: germline.
Comment: This sequence change replaces lysine, which is basic and polar, with asparagine, which is neutral and polar, at codon 110 of the ALAD protein (p.Lys110Asn). This variant is present in population databases (rs138064710, gnomAD 0.1%). This variant has not been reported in the literature in individuals affected with ALAD-related conditions. Invitae Evidence Modeling of protein sequence and biophysical properties (such as structural, functional, and spatial information, amino acid conservation, physicochemical variation, residue mobility, and thermodynamic stability) indicates that this missense variant is not expected to disrupt ALAD protein function with a negative predictive value of 80%. In summary, the available evidence is currently insufficient to determine the role of this variant in disease. Therefore, it has been classified as a Variant of Uncertain Significance.